The following is an entry in ClinVar:

NM_001008216.2(GALE):c.979G>C (p.Asp327His)

Gene: GALE (UDP-galactose-4-epimerase; minus strand). Cytogenetic location: 1p36.11.
Variant type: single nucleotide variant.
Coding change: c.979G>C on transcript NM_001008216.2 (MANE Select); coding-DNA position 979, G replaced by C.
Protein change: p.Asp327His; replaces aspartic acid 327 with histidine.
Molecular consequence: missense variant.
Genome position (GRCh38, 1-based): chr1:23,796,160, C>G on the plus strand (G>C on the coding strand, the complement: GALE is on the minus strand). VCF-style: chr1-23796160-C-G. GRCh37 (hg19) VCF-style: chr1-24122650-C-G.
Other names: c.979G>C, p.Asp327His (NM_000403.4, NM_001127621.2); short protein forms D327H.
Identifiers: ClinVar variation 596921 (VCV000596921.12), dbSNP rs150326189, ClinGen allele CA685425.

ClinVar aggregate classification (germline): Uncertain significance. Review status: criteria provided, multiple submitters, no conflicts (2 of 4 stars). 2 submissions from 2 submitters: Uncertain significance (2). Last evaluated 2025-11-23.

Conditions:
UDPglucose-4-epimerase deficiency. Also called: Epimerase Deficiency Galactosemia; UDP-GALACTOSE-4-EPIMERASE DEFICIENCY; Galactose epimerase deficiency; GALACTOSEMIA III; GALE DEFICIENCY; UDPglucose 4-Epimerase Deficiency Disease. Identifiers: Orphanet 352, Orphanet 79238, MedGen C0751161, MONDO:0009257, OMIM 230350.

Allele frequency attached by ClinVar (database versions not stated): TOPMed 0.00001; gnomAD 0.00002; ESP Exome Variant Server 0.00008.
gnomAD v4.1: 8 of 1,613,670 alleles (0.0005%); highest among the groups gnomAD compares: African/African-American, 0.011%; no homozygotes.

Submissions (2):

Labcorp Genetics (formerly Invitae), Labcorp
Classification: Uncertain significance for UDPglucose-4-epimerase deficiency. Last evaluated: 2025-11-23. Review status: criteria provided, single submitter. Criteria: Invitae Variant Classification Sherloc (09022015). Collection method: clinical testing. Allele origin: germline.
Comment: This sequence change replaces aspartic acid, which is acidic and polar, with histidine, which is basic and polar, at codon 327 of the GALE protein (p.Asp327His). This variant is present in population databases (rs150326189, gnomAD 0.007%). This variant has not been reported in the literature in individuals affected with GALE-related conditions. ClinVar contains an entry for this variant (Variation ID: 596921). Invitae Evidence Modeling of protein sequence and biophysical properties (such as structural, functional, and spatial information, amino acid conservation, physicochemical variation, residue mobility, and thermodynamic stability) indicates that this missense variant is not expected to disrupt GALE protein function with a negative predictive value of 80%. In summary, the available evidence is currently insufficient to determine the role of this variant in disease. Therefore, it has been classified as a Variant of Uncertain Significance.

Eurofins Ntd Llc (ga)
Classification: Uncertain significance. Last evaluated: 2018-04-27. Review status: criteria provided, single submitter. Criteria: EGL ClinVar v180209 classification definitions. Collection method: clinical testing. Allele origin: germline. Observed: 2 variant alleles, 2 heterozygotes.